The following is an entry in ClinVar:

NM_000245.4(MET):c.1421C>A (p.Thr474Asn)

Gene: MET (MET proto-oncogene, receptor tyrosine kinase; plus strand). Cytogenetic location: 7q31.2.
Variant type: single nucleotide variant.
Coding change: c.1421C>A on transcript NM_000245.4 (MANE Select); coding-DNA position 1421, C replaced by A.
Protein change: p.Thr474Asn; replaces threonine 474 with asparagine.
Molecular consequence: missense variant.
Genome position (GRCh38, 1-based): chr7:116,739,978, C>A. VCF-style: chr7-116739978-C-A. GRCh37 (hg19) VCF-style: chr7-116380032-C-A.
Other names: c.1421C>A (NM_001127500.1); c.1421C>A, p.Thr474Asn (NM_001127500.3, NM_001324401.3); c.131C>A, p.Thr44Asn (NM_001324402.2); short protein forms T474N, T44N.
Identifiers: ClinVar variation 1462089 (VCV001462089.12), dbSNP rs1554390902, ClinGen allele CA368974056.

ClinVar aggregate classification (germline): Conflicting classifications of pathogenicity. Review status: criteria provided, conflicting classifications (1 of 4 stars). 3 submissions from 3 submitters: Uncertain significance (2); Likely benign (1). Last evaluated 2026-06-04.

Conditions:
Autosomal recessive nonsyndromic hearing loss 97. Also called: Deafness, autosomal recessive 97. Identifiers: Orphanet 90636, MedGen C4084709, MONDO:0014739, OMIM 616705.
Hereditary cancer-predisposing syndrome. Also called: Tumor predisposition; Neoplastic Syndromes, Hereditary; Hereditary Cancer Syndrome; Hereditary neoplastic syndrome. Identifiers: Orphanet 140162, MedGen C0027672, MeSH D009386, MONDO:0015356.
Renal cell carcinoma. Identifiers: Orphanet 217071, MedGen C0007134, MeSH D002292, MONDO:0005086, HP:0005584.

gnomAD v4.1: 43 of 1,614,104 alleles (0.0027%); highest among the groups gnomAD compares: Non-Finnish European, 0.0036%; no homozygotes.

Submissions (3):

Ambry Genetics
Classification: Likely benign for Hereditary cancer-predisposing syndrome. Last evaluated: 2026-06-04. Review status: criteria provided, single submitter. Criteria: Ambry Variant Classification Scheme 2023. Collection method: clinical testing. Allele origin: germline.

Labcorp Genetics (formerly Invitae), Labcorp
Classification: Uncertain significance for Renal cell carcinoma. Last evaluated: 2025-04-22. Review status: criteria provided, single submitter. Criteria: Invitae Variant Classification Sherloc (09022015). Collection method: clinical testing. Allele origin: germline.
Comment: This sequence change replaces threonine, which is neutral and polar, with asparagine, which is neutral and polar, at codon 474 of the MET protein (p.Thr474Asn). This variant is not present in population databases (gnomAD no frequency). This variant has not been reported in the literature in individuals affected with MET-related conditions. ClinVar contains an entry for this variant (Variation ID: 1462089). An algorithm developed to predict the effect of missense changes on protein structure and function (PolyPhen-2) suggests that this variant is likely to be tolerated. In summary, the available evidence is currently insufficient to determine the role of this variant in disease. Therefore, it has been classified as a Variant of Uncertain Significance.

Baylor Genetics
Classification: Uncertain significance for Autosomal recessive nonsyndromic hearing loss 97. Last evaluated: 2023-06-26. Review status: criteria provided, single submitter. Criteria: ACMG Guidelines, 2015. Collection method: clinical testing. Allele origin: unknown.